The following is an entry in ClinVar:

NM_014795.4(ZEB2):c.3584A>C (p.Glu1195Ala)

Gene: ZEB2 (zinc finger E-box binding homeobox 2; minus strand). Cytogenetic location: 2q22.3.
Variant type: single nucleotide variant.
Coding change: c.3584A>C on transcript NM_014795.4 (MANE Select); coding-DNA position 3584, A replaced by C.
Protein change: p.Glu1195Ala; replaces glutamic acid 1195 with alanine.
Molecular consequence: missense variant.
Genome position (GRCh38, 1-based): chr2:144,389,512, T>G on the plus strand (A>C on the coding strand, the complement: ZEB2 is on the minus strand). VCF-style: chr2-144389512-T-G. GRCh37 (hg19) VCF-style: chr2-145147079-T-G.
Other names: c.3512A>C, p.Glu1171Ala (NM_001171653.2); short protein forms E1171A, E1195A.
Identifiers: ClinVar variation 2867017 (VCV002867017.3), dbSNP rs2549101559, ClinGen allele CA348698828.

ClinVar aggregate classification (germline): Uncertain significance (1 of 4 stars; one submission).

Conditions:
Mowat-Wilson syndrome (MOWS). Also called: Classic Mowat-Wilson Syndrome. Identifiers: Orphanet 2152, MedGen C1856113, MONDO:0009341, OMIM 235730.

Submission:

Labcorp Genetics (formerly Invitae), Labcorp
Classification: Uncertain significance for Mowat-Wilson syndrome. Last evaluated: 2023-05-22. Review status: criteria provided, single submitter. Criteria: Invitae Variant Classification Sherloc (09022015). Collection method: clinical testing. Allele origin: germline.
Comment: This sequence change replaces glutamic acid, which is acidic and polar, with alanine, which is neutral and non-polar, at codon 1195 of the ZEB2 protein (p.Glu1195Ala). This variant is not present in population databases (gnomAD no frequency). This variant has not been reported in the literature in individuals affected with ZEB2-related conditions. Advanced modeling of protein sequence and biophysical properties (such as structural, functional, and spatial information, amino acid conservation, physicochemical variation, residue mobility, and thermodynamic stability) performed at Invitae indicates that this missense variant is not expected to disrupt ZEB2 protein function. In summary, the available evidence is currently insufficient to determine the role of this variant in disease. Therefore, it has been classified as a Variant of Uncertain Significance.